The following is an entry in ClinVar:

ClinVar aggregate classification (germline): Likely benign. Review status: criteria provided, single submitter (1 of 4 stars). 2 submissions from 2 submitters: Likely benign (1). 1 of the submissions does not count toward it. Last evaluated 2026-02-01.

Conditions:
RREB1-related disorder. Also called: RREB1-related condition.

Allele frequency attached by ClinVar (database versions not stated): TOPMed 0.00067; ESP Exome Variant Server 0.00069; 1000 Genomes Project 30x 0.00078; 1000 Genomes Project 0.00080; gnomAD exomes 0.00113; ExAC 0.00118; gnomAD 0.00127.
gnomAD v4.1: 1,829 of 1,613,974 alleles (0.11%); highest among the groups gnomAD compares: Non-Finnish European, 0.12%; 1 homozygote.

Submissions (2):

CeGaT Center for Human Genetics Tuebingen
Classification: Likely benign. Last evaluated: 2026-02-01. Review status: criteria provided, single submitter. Criteria: CeGaT Center For Human Genetics Tuebingen Variant Classification Criteria Version 2. Collection method: clinical testing. Allele origin: germline. Affected: yes. Observed: 2 variant alleles.
Comment: RREB1: BP4, BP7

PreventionGenetics, part of Exact Sciences
Classification: Likely benign for RREB1-related condition. Last evaluated: 2019-09-17. Review status: no assertion criteria provided. Collection method: clinical testing. Allele origin: germline. Not counted in ClinVar's aggregate classification.
Comment: This variant is classified as likely benign based on ACMG/AMP sequence variant interpretation guidelines (Richards et al. 2015 PMID: 25741868, with internal and published modifications).

NM_001003699.4(RREB1):c.4698G>A (p.Lys1566=)

Gene: RREB1 (ras responsive element binding protein 1; plus strand). Cytogenetic location: 6p24.3.
Variant type: single nucleotide variant.
Coding change: c.4698G>A on transcript NM_001003699.4 (MANE Select); coding-DNA position 4698, G replaced by A.
Protein change: p.Lys1566=; no amino-acid change (lysine 1566 retained).
Molecular consequence: synonymous variant. On other transcripts: intron variant (1).
Genome position (GRCh38, 1-based): chr6:7,247,148, G>A. VCF-style: chr6-7247148-G-A. GRCh37 (hg19) VCF-style: chr6-7247381-G-A.
Other names: c.4533G>A, p.Lys1511= (NM_001003698.4, NM_001168344.2); c.3974-1363G>A (NM_001003700.2); c.4698G>A (NM_001003699.3).
Identifiers: ClinVar variation 2656204 (VCV002656204.25), dbSNP rs139238211, ClinGen allele CA3626541.